The following is an entry in ClinVar:

NM_133443.4(GPT2):c.1120C>T (p.Arg374Cys)

Gene: GPT2 (glutamic--pyruvic transaminase 2; plus strand). Cytogenetic location: 16q11.2.
Variant type: single nucleotide variant.
Coding change: c.1120C>T on transcript NM_133443.4 (MANE Select); coding-DNA position 1120, C replaced by T.
Protein change: p.Arg374Cys; replaces arginine 374 with cysteine.
Molecular consequence: missense variant.
Genome position (GRCh38, 1-based): chr16:46,922,324, C>T. VCF-style: chr16-46922324-C-T. GRCh37 (hg19) VCF-style: chr16-46956236-C-T.
Other names: c.820C>T, p.Arg274Cys (NM_001142466.3); short protein forms R374C, R274C.
Identifiers: ClinVar variation 2585589 (VCV002585589.1), dbSNP rs781284492, ClinGen allele CA8038792.

ClinVar aggregate classification (germline): Uncertain significance (1 of 4 stars; one submission).

Conditions:
Glutamate pyruvate transaminase 2 deficiency (NEDSPM). Also called: Neurodevelopmental disorder with microcephaly and spastic paraplegia. Identifiers: Orphanet 477673, MedGen C4225388, MONDO:0014567, OMIM 616281.

Allele frequency attached by ClinVar (database versions not stated): gnomAD exomes below 0.00001; ExAC 0.00001.
gnomAD v4.1: 5 of 1,614,124 alleles (0.00031%); highest among the groups gnomAD compares: Admixed American, 0.0017%; no homozygotes.

Submission:

Neuberg Centre For Genomic Medicine, NCGM
Classification: Uncertain significance for Glutamate pyruvate transaminase 2 deficiency. Review status: criteria provided, single submitter. Criteria: ACMG Guidelines, 2015. Collection method: clinical testing. Allele origin: germline. Inheritance: Autosomal recessive inheritance. Affected: yes.
Comment: The missense variant in c.1120C>T in GPT2 gene has not been reported previously as a pathogenic variant nor as a benign variant, to our knowledge. The p.Arg374Cys variant is novel (not in any individuals) in 1000 Genomes. This variant has not been reported to the ClinVar database. The amino acid Arg at position 374 is changed to a Cys changing protein sequence and it might alter its composition and physico-chemical properties. The amino acid change p.Arg374Cys in GPT2 is predicted as conserved by GERP++ and PhyloP across 100 vertebrates. For these reasons, this variant has been classified as Uncertain Significance (VUS).